The following is an entry in ClinVar:

ClinVar aggregate classification (germline): Likely benign (1 of 4 stars; one submission).

Conditions:
MITF-related disorder. Also called: MITF-related condition.

Submission:

PreventionGenetics, part of Exact Sciences
Classification: Likely benign for MITF-related condition. Last evaluated: 2026-01-09. Review status: criteria provided, single submitter. Criteria: ACMG Guidelines, 2015. Collection method: clinical testing. Allele origin: germline.
Comment: This variant is classified as likely benign based on ACMG/AMP sequence variant interpretation guidelines (Richards et al. 2015 PMID: 25741868, with internal and published modifications).

NM_001354604.2(MITF):c.105-12808C>T

Gene: MITF (melanocyte inducing transcription factor; plus strand). Cytogenetic location: 3p13.
Variant type: single nucleotide variant.
Coding change: c.105-12808C>T on transcript NM_001354604.2 (MANE Select); 12808 bases into the intron before coding-DNA position 105, C replaced by T.
Molecular consequence: intron variant. On other transcripts: synonymous variant (1).
Genome position (GRCh38, 1-based): chr3:69,866,326, C>T. VCF-style: chr3-69866326-C-T. GRCh37 (hg19) VCF-style: chr3-69915477-C-T.
Other names: c.36C>T, p.Cys12= (NM_198177.3); c.54-12808C>T (NM_001354607.2); c.-52-12808C>T (NM_001354608.2, NM_001184967.2); c.105-12808C>T (NM_198159.3); c.105-12811C>T (NM_001354605.2, NM_001354606.2); c.102-12808C>T (NM_006722.3).
Identifiers: ClinVar variation 4985560 (VCV004985560.1).